The following is an entry in ClinVar:

ClinVar aggregate classification (germline): Uncertain significance (1 of 4 stars; one submission).

Allele frequency attached by ClinVar (database versions not stated): TOPMed 0.00001; gnomAD exomes 0.00003; gnomAD 0.00001.
gnomAD v4.1: 37 of 1,521,936 alleles (0.0024%); highest among the groups gnomAD compares: Middle Eastern, 0.056%; no homozygotes.

Submission:

Labcorp Genetics (formerly Invitae), Labcorp
Classification: Uncertain significance. Last evaluated: 2022-05-12. Review status: criteria provided, single submitter. Criteria: Invitae Variant Classification Sherloc (09022015). Collection method: clinical testing. Allele origin: germline.
Comment: In summary, the available evidence is currently insufficient to determine the role of this variant in disease. Therefore, it has been classified as a Variant of Uncertain Significance. Algorithms developed to predict the effect of missense changes on protein structure and function are either unavailable or do not agree on the potential impact of this missense change (SIFT: "Tolerated"; PolyPhen-2: "Probably Damaging"; Align-GVGD: "Class C0"). This variant has not been reported in the literature in individuals affected with DGKZ-related conditions. This variant is not present in population databases (gnomAD no frequency). This sequence change replaces arginine, which is basic and polar, with histidine, which is basic and polar, at codon 36 of the DGKZ protein (p.Arg36His).

NM_001199267.2(DGKZ):c.162-928G>A

Gene: DGKZ (diacylglycerol kinase zeta; plus strand). Cytogenetic location: 11p11.2.
Variant type: single nucleotide variant.
Coding change: c.162-928G>A on transcript NM_001199267.2 (MANE Select); 928 bases into the intron before coding-DNA position 162, G replaced by A.
Molecular consequence: intron variant. On other transcripts: missense variant (1).
Genome position (GRCh38, 1-based): chr11:46,366,363, G>A. VCF-style: chr11-46366363-G-A. GRCh37 (hg19) VCF-style: chr11-46387913-G-A.
Other names: c.107G>A, p.Arg36His (NM_001105540.2); c.213-928G>A (NM_201532.3); c.177-928G>A (NM_201533.3); c.162-928G>A (NM_001199266.2, NM_003646.4, NM_001199268.2); short protein forms R36H.
Identifiers: ClinVar variation 2067629 (VCV002067629.4), dbSNP rs761040555, ClinGen allele CA5962073.